The following is an entry in ClinVar:

ClinVar aggregate classification (germline): Uncertain significance (1 of 4 stars; one submission).

Allele frequency attached by ClinVar (database versions not stated): TOPMed 0.00001; gnomAD exomes 0.00002.
gnomAD v4.1: 25 of 1,613,502 alleles (0.0015%); highest among the groups gnomAD compares: South Asian, 0.0022%; no homozygotes.

Submission:

Labcorp Genetics (formerly Invitae), Labcorp
Classification: Uncertain significance. Last evaluated: 2023-12-31. Review status: criteria provided, single submitter. Criteria: Invitae Variant Classification Sherloc (09022015). Collection method: clinical testing. Allele origin: germline.
Comment: This sequence change replaces alanine, which is neutral and non-polar, with valine, which is neutral and non-polar, at codon 486 of the SLC13A3 protein (p.Ala486Val). This variant is present in population databases (rs564447589, gnomAD 0.003%). This variant has not been reported in the literature in individuals affected with SLC13A3-related conditions. Advanced modeling of protein sequence and biophysical properties (such as structural, functional, and spatial information, amino acid conservation, physicochemical variation, residue mobility, and thermodynamic stability) performed at Invitae indicates that this missense variant is not expected to disrupt SLC13A3 protein function with a negative predictive value of 80%. In summary, the available evidence is currently insufficient to determine the role of this variant in disease. Therefore, it has been classified as a Variant of Uncertain Significance.

NM_022829.6(SLC13A3):c.1457C>T (p.Ala486Val)

Gene: SLC13A3 (solute carrier family 13 member 3; minus strand). Cytogenetic location: 20q13.12.
Variant type: single nucleotide variant.
Coding change: c.1457C>T on transcript NM_022829.6 (MANE Select); coding-DNA position 1457, C replaced by T.
Protein change: p.Ala486Val; replaces alanine 486 with valine.
Molecular consequence: missense variant.
Genome position (GRCh38, 1-based): chr20:46,566,266, G>A on the plus strand (C>T on the coding strand, the complement: SLC13A3 is on the minus strand). VCF-style: chr20-46566266-G-A. GRCh37 (hg19) VCF-style: chr20-45194905-G-A.
Other names: c.1316C>T, p.Ala439Val (NM_001011554.3); c.1307C>T, p.Ala436Val (NM_001193339.2); c.1211C>T, p.Ala404Val (NM_001193340.2); c.1163C>T, p.Ala388Val (NM_001193342.2); short protein forms A404V, A486V, A436V, A439V, A388V.
Identifiers: ClinVar variation 2959091 (VCV002959091.3), dbSNP rs564447589, ClinGen allele CA9891267.